The following is an entry in ClinVar:

NM_001903.5(CTNNA1):c.2298+9C>T

Gene: CTNNA1 (catenin alpha 1; plus strand). Cytogenetic location: 5q31.2.
Variant type: single nucleotide variant.
Coding change: c.2298+9C>T on transcript NM_001903.5 (MANE Select); 9 bases into the intron after coding-DNA position 2298, C replaced by T.
Molecular consequence: intron variant.
Genome position (GRCh38, 1-based): chr5:138,930,944, C>T. VCF-style: chr5-138930944-C-T. GRCh37 (hg19) VCF-style: chr5-138266633-C-T.
Other names: c.2298+9C>T (NM_001323982.2, NM_001323984.2, NM_001290307.3 and 2 more transcripts); c.2205+9C>T (NM_001323986.2); c.1929+9C>T (NM_001290310.3); c.1989+9C>T (NM_001290309.3); c.1188+9C>T (NM_001323996.1, NM_001323993.1, NM_001324005.1 and 17 more transcripts); c.849+9C>T (NM_001324007.1, NM_001324009.1, NM_001324006.1 and 2 more transcripts); c.945+9C>T (NM_001324013.1, NM_001324012.1); c.1095+9C>T (NM_001324011.1).
Identifiers: ClinVar variation 1106576 (VCV001106576.10), dbSNP rs2150337710, ClinGen allele CA2499217670.

ClinVar aggregate classification (germline): Likely benign. Review status: criteria provided, multiple submitters, no conflicts (2 of 4 stars). 2 submissions from 2 submitters: Likely benign (2). Last evaluated 2024-10-15.

Conditions:
Hereditary diffuse gastric adenocarcinoma (HDGC). Also called: DIFFUSE GASTRIC AND LOBULAR BREAST CANCER SYNDROME. Identifiers: Orphanet 26106, MedGen C1708349, MONDO:0007648, OMIM 137215.

Submissions (2):

Myriad Genetics, Inc.
Classification: Likely benign for Hereditary diffuse gastric adenocarcinoma. Last evaluated: 2024-10-15. Review status: criteria provided, single submitter. Criteria: Myriad Autosomal Dominant, Autosomal Recessive and X-Linked Classification Criteria (2023). Collection method: clinical testing. Allele origin: unknown.
Comment: This variant is considered likely benign. This variant is intronic and is not expected to impact mRNA splicing.

Labcorp Genetics (formerly Invitae), Labcorp
Classification: Likely benign. Last evaluated: 2020-09-24. Review status: criteria provided, single submitter. Criteria: Invitae Variant Classification Sherloc (09022015). Collection method: clinical testing. Allele origin: germline.